The following is an entry in ClinVar:

NM_000096.4(CP):c.2795_2796del (p.Asp932fs)

Gene: CP (ceruloplasmin; minus strand). Cytogenetic location: 3q24.
Variant type: Deletion.
Coding change: c.2795_2796del on transcript NM_000096.4 (MANE Select); coding-DNA positions 2795 to 2796, 2 bases deleted (AT; older notation c.2795_2796delAT).
Protein change: p.Asp932fs; shifts the reading frame from aspartic acid 932.
Molecular consequence: frameshift variant. On other transcripts: non-coding transcript variant (1).
Genome position (GRCh38, 1-based): chr3:149,178,497-149,178,498, AT deleted on the plus strand (AT on the coding strand, the reverse complement: CP is on the minus strand). VCF-style (leftmost placement, unchanged base first): chr3-149178496-CAT-C. GRCh37 (hg19) VCF-style: chr3-148896283-CAT-C.
Other names: short protein forms D932fs.
Identifiers: ClinVar variation 4733121 (VCV004733121.1).

ClinVar aggregate classification (germline): Pathogenic (1 of 4 stars; one submission).

Conditions:
Deficiency of ferroxidase (ACEP). Also called: Deficiency of ceruloplasmin; NEURODEGENERATION WITH BRAIN IRON ACCUMULATION 10; Aceruloplasminemia; Ceruloplasmin deficiency; Familial apoceruloplasmin deficiency; Hereditary ceruloplasmin deficiency. Identifiers: Orphanet 48818, MedGen C0878682, MONDO:0011426, OMIM 604290, HP:0025498.

Submission:

Labcorp Genetics (formerly Invitae), Labcorp
Classification: Pathogenic for Deficiency of ferroxidase. Last evaluated: 2025-12-13. Review status: criteria provided, single submitter. Criteria: Invitae Variant Classification Sherloc (09022015). Collection method: clinical testing. Allele origin: germline.
Comment: This sequence change creates a premature translational stop signal (p.Asp932Glyfs*8) in the CP gene. It is expected to result in an absent or disrupted protein product. Loss-of-function variants in CP are known to be pathogenic (PMID: 16629161). This variant is not present in population databases (gnomAD no frequency). This variant has not been reported in the literature in individuals affected with CP-related conditions. For these reasons, this variant has been classified as Pathogenic.

Literature cited by the submitters: PubMed 16629161.